The following is an entry in ClinVar:

ClinVar aggregate classification (germline): Uncertain significance (1 of 4 stars; one submission).

Submission:

GeneDx
Classification: Uncertain significance. Last evaluated: 2020-11-27. Review status: criteria provided, single submitter. Criteria: GeneDx Variant Classification Process June 2021. Collection method: clinical testing. Allele origin: germline. Affected: yes.
Comment: Not observed in large population cohorts (Lek et al., 2016); In silico analysis, which includes protein predictors and evolutionary conservation, supports a deleterious effect; Has not been previously published as pathogenic or benign to our knowledge

NM_000141.5(FGFR2):c.2368T>C (p.Cys790Arg)

Gene: FGFR2 (fibroblast growth factor receptor 2; minus strand). Cytogenetic location: 10q26.13.
Variant type: single nucleotide variant.
Coding change: c.2368T>C on transcript NM_000141.5 (MANE Select); coding-DNA position 2368, T replaced by C.
Protein change: p.Cys790Arg; replaces cysteine 790 with arginine.
Molecular consequence: missense variant. On other transcripts: non-coding transcript variant (1), intron variant (1).
Genome position (GRCh38, 1-based): chr10:121,479,955, A>G on the plus strand (T>C on the coding strand, the complement: FGFR2 is on the minus strand). VCF-style: chr10-121479955-A-G. GRCh37 (hg19) VCF-style: chr10-123239469-A-G.
Other names: c.2032T>C, p.Cys678Arg (NM_001144914.1); c.2023T>C, p.Cys675Arg (NM_001144916.2); c.2020T>C, p.Cys674Arg (NM_001144917.2); c.2017T>C, p.Cys673Arg (NM_001144918.2); c.1684T>C, p.Cys562Arg (NM_001320654.2); c.2362T>C, p.Cys788Arg (NM_001320658.2); c.2371T>C, p.Cys791Arg (NM_022970.4); c.2101T>C, p.Cys701Arg (NM_023029.3); and 1 more; short protein forms C562R, C673R, C674R, C675R, C678R, C701R, C788R, C790R.
Identifiers: ClinVar variation 1315789 (VCV001315789.2), dbSNP rs2133682792, ClinGen allele CA378358663.